The following is an entry in ClinVar:

ClinVar aggregate classification (germline): Pathogenic. Review status: criteria provided, multiple submitters, no conflicts (2 of 4 stars). 2 submissions from 2 submitters: Pathogenic (2). Last evaluated 2024-01-17.

Conditions:
Neurofibromatosis, type 1 (NF1). Also called: Neurofibromatosis, type I; Peripheral type neurofibromatosis; VON RECKLINGHAUSEN DISEASE; NEUROFIBROMATOSIS, TYPE I, SOMATIC. Identifiers: Orphanet 636, MedGen C0027831, MONDO:0018975, OMIM 162200. Disease mechanism: loss of function.
Cardiovascular phenotype. Identifiers: MedGen CN230736.
Hereditary cancer-predisposing syndrome. Also called: Hereditary neoplastic syndrome; Hereditary Cancer Syndrome; Neoplastic Syndromes, Hereditary; Tumor predisposition. Identifiers: Orphanet 140162, MedGen C0027672, MeSH D009386, MONDO:0015356.

Submissions (2):

Ambry Genetics
Classification: Pathogenic for Cardiovascular phenotype; Hereditary cancer-predisposing syndrome. Last evaluated: 2024-01-17. Review status: criteria provided, single submitter. Criteria: Ambry Variant Classification Scheme 2023. Collection method: clinical testing. Allele origin: germline.
Comment: The c.3991_3992delAG pathogenic mutation, located in coding exon 30 of the NF1 gene, results from a deletion of two nucleotides at nucleotide positions 3991 to 3992, causing a translational frameshift with a predicted alternate stop codon (p.S1331Pfs*2). This variant was identified in 1 of 565 unrelated French probands with clinical diagnoses or suspicion of NF1 (Sabbagh A et al. Hum Mutat, 2013 Nov;34:1510-8). In addition to the clinical data presented in the literature, this alteration is expected to result in loss of function by premature protein truncation or nonsense-mediated mRNA decay. As such, this alteration is interpreted as a disease-causing mutation.

Labcorp Genetics (formerly Invitae), Labcorp
Classification: Pathogenic for Neurofibromatosis, type 1. Last evaluated: 2022-12-26. Review status: criteria provided, single submitter. Criteria: Invitae Variant Classification Sherloc (09022015). Collection method: clinical testing. Allele origin: germline.
Comment: This premature translational stop signal has been observed in individual(s) with NF1-related conditions (PMID: 23913538). For these reasons, this variant has been classified as Pathogenic. This variant is not present in population databases (gnomAD no frequency). This sequence change creates a premature translational stop signal (p.Ser1331Profs*2) in the NF1 gene. It is expected to result in an absent or disrupted protein product. Loss-of-function variants in NF1 are known to be pathogenic (PMID: 10712197, 23913538).

Literature cited by the submitters: PubMed 23913538 (cited by Labcorp Genetics (formerly Invitae), Labcorp); PubMed 10712197 (cited by Labcorp Genetics (formerly Invitae), Labcorp).

NM_001042492.3(NF1):c.3991_3992del (p.Ser1331fs)

Gene: NF1 (neurofibromin 1; plus strand). Cytogenetic location: 17q11.2.
Variant type: Microsatellite.
Coding change: c.3991_3992del on transcript NM_001042492.3 (MANE Select); coding-DNA positions 3991 to 3992, 2 bases deleted (AG; older notation c.3991_3992delAG).
Protein change: p.Ser1331fs; shifts the reading frame from serine 1331.
Molecular consequence: frameshift variant.
Genome position (GRCh38, 1-based): chr17:31,249,000-31,249,001, AG deleted; deleting any 2 consecutive bases within chr17:31,248,996-31,249,001 gives the same sequence; the c. name uses the placement nearest the transcript's 3' end. VCF-style (leftmost placement, unchanged base first): chr17-31248995-CAG-C. GRCh37 (hg19) VCF-style: chr17-29576013-CAG-C.
Other names: c.3991_3992delAG (NM_000267.3); c.3987_3988AG[2], p.Ser1331Profs (NM_000267.4); short protein forms S1331fs.
Identifiers: ClinVar variation 2736547 (VCV002736547.4), dbSNP rs2508350738, ClinGen allele CA658761094.